The following is an entry in ClinVar:

NM_001103.4(ACTN2):c.1808C>T (p.Thr603Ile)

Gene: ACTN2 (actinin alpha 2; plus strand). Cytogenetic location: 1q43.
Variant type: single nucleotide variant.
Coding change: c.1808C>T on transcript NM_001103.4 (MANE Select); coding-DNA position 1808, C replaced by T.
Protein change: p.Thr603Ile; replaces threonine 603 with isoleucine.
Molecular consequence: missense variant.
Genome position (GRCh38, 1-based): chr1:236,751,621, C>T. VCF-style: chr1-236751621-C-T. GRCh37 (hg19) VCF-style: chr1-236914921-C-T.
Other names: c.1808C>T, p.Thr603Ile (NM_001278343.2); c.1184C>T, p.Thr395Ile (NM_001278344.2); c.1058C>T, p.Thr353Ile (NM_001412150.1); short protein forms T353I, T603I, T395I.
Identifiers: ClinVar variation 2110419 (VCV002110419.4), dbSNP rs2527636580, ClinGen allele CA345386330.

ClinVar aggregate classification (germline): Uncertain significance (1 of 4 stars; one submission).

Conditions:
Dilated cardiomyopathy 1AA (CMD1AA). Also called: CARDIOMYOPATHY, DILATED, 1AA, WITH OR WITHOUT LEFT VENTRICULAR NONCOMPACTION; CARDIOMYOPATHY, FAMILIAL HYPERTROPHIC, 23, WITH OR WITHOUT LEFT VENTRICULAR NONCOMPACTION; Cardiomyopathy, dilated, 1AA, with or without LVNC. Identifiers: Orphanet 154, MedGen C2677338, MONDO:0012808, OMIM 612158.
Primary familial hypertrophic cardiomyopathy (HCM). Identifiers: Orphanet 99739, MedGen C0949658, MeSH D024741, MONDO:0024573. Inheritance: Various modes of inheritance.

Allele frequency attached by ClinVar (database versions not stated): gnomAD exomes 0.00001.
gnomAD v4.1: 3 of 1,613,936 alleles (0.00019%); highest among the groups gnomAD compares: Non-Finnish European, 0.00017%; no homozygotes.

Submission:

Labcorp Genetics (formerly Invitae), Labcorp
Classification: Uncertain significance for Primary familial hypertrophic cardiomyopathy; Dilated cardiomyopathy 1AA. Last evaluated: 2022-04-09. Review status: criteria provided, single submitter. Criteria: Invitae Variant Classification Sherloc (09022015). Collection method: clinical testing. Allele origin: germline.
Comment: In summary, the available evidence is currently insufficient to determine the role of this variant in disease. Therefore, it has been classified as a Variant of Uncertain Significance. Algorithms developed to predict the effect of missense changes on protein structure and function are either unavailable or do not agree on the potential impact of this missense change (SIFT: "Deleterious"; PolyPhen-2: "Benign"; Align-GVGD: "Class C65"). This variant has not been reported in the literature in individuals affected with ACTN2-related conditions. This variant is not present in population databases (gnomAD no frequency). This sequence change replaces threonine, which is neutral and polar, with isoleucine, which is neutral and non-polar, at codon 603 of the ACTN2 protein (p.Thr603Ile).